The following is an entry in ClinVar:

NM_001164508.2(NEB):c.18127G>A (p.Ala6043Thr)

Gene: NEB (nebulin; minus strand). Cytogenetic location: 2q23.3.
Variant type: single nucleotide variant.
Coding change: c.18127G>A on transcript NM_001164508.2 (MANE Select); coding-DNA position 18127, G replaced by A.
Protein change: p.Ala6043Thr; replaces alanine 6043 with threonine.
Molecular consequence: missense variant.
Genome position (GRCh38, 1-based): chr2:151,567,197, C>T on the plus strand (G>A on the coding strand, the complement: NEB is on the minus strand). VCF-style: chr2-151567197-C-T. GRCh37 (hg19) VCF-style: chr2-152423711-C-T.
Other names: c.18127G>A, p.Ala6043Thr (NM_001164507.2, NM_001271208.2); c.13024G>A, p.Ala4342Thr (NM_004543.5); short protein forms A6043T, A4342T.
Identifiers: ClinVar variation 465514 (VCV000465514.8), dbSNP rs1553775860, ClinGen allele CA348802866.

ClinVar aggregate classification (germline): Uncertain significance (1 of 4 stars; one submission).

Conditions:
Nemaline myopathy 2 (NEM2). Also called: Nemaline myopathy 2, autosomal recessive. Identifiers: MedGen C1850569, MONDO:0009725, OMIM 256030.

Submission:

Labcorp Genetics (formerly Invitae), Labcorp
Classification: Uncertain significance for Nemaline myopathy 2. Last evaluated: 2023-04-13. Review status: criteria provided, single submitter. Criteria: Invitae Variant Classification Sherloc (09022015). Collection method: clinical testing. Allele origin: germline.
Comment: This sequence change replaces alanine, which is neutral and non-polar, with threonine, which is neutral and polar, at codon 6043 of the NEB protein (p.Ala6043Thr). This variant is not present in population databases (gnomAD no frequency). This variant has not been reported in the literature in individuals affected with NEB-related conditions. ClinVar contains an entry for this variant (Variation ID: 465514). Experimental studies and prediction algorithms are not available or were not evaluated, and the functional significance of this variant is currently unknown. In summary, the available evidence is currently insufficient to determine the role of this variant in disease. Therefore, it has been classified as a Variant of Uncertain Significance.